The following is an entry in ClinVar:

NM_001001563.5(TIMM50):c.895G>A (p.Glu299Lys)

Gene: TIMM50 (translocase of inner mitochondrial membrane 50; plus strand). Cytogenetic location: 19q13.2.
Variant type: single nucleotide variant.
Coding change: c.895G>A on transcript NM_001001563.5 (MANE Select); coding-DNA position 895, G replaced by A.
Protein change: p.Glu299Lys; replaces glutamic acid 299 with lysine.
Molecular consequence: missense variant.
Genome position (GRCh38, 1-based): chr19:39,488,580, G>A. VCF-style: chr19-39488580-G-A. GRCh37 (hg19) VCF-style: chr19-39979220-G-A.
Other names: c.556G>A, p.Glu186Lys (NM_001329559.2); short protein forms E186K, E299K.
Identifiers: ClinVar variation 1942026 (VCV001942026.5), dbSNP rs2079523529, ClinGen allele CA405790227.

ClinVar aggregate classification (germline): Uncertain significance (1 of 4 stars; one submission).

Allele frequency attached by ClinVar (database versions not stated): gnomAD 0.00001.

Submission:

Labcorp Genetics (formerly Invitae), Labcorp
Classification: Uncertain significance. Last evaluated: 2022-08-09. Review status: criteria provided, single submitter. Criteria: Invitae Variant Classification Sherloc (09022015). Collection method: clinical testing. Allele origin: germline.
Comment: This sequence change replaces glutamic acid, which is acidic and polar, with lysine, which is basic and polar, at codon 402 of the TIMM50 protein (p.Glu402Lys). This variant is not present in population databases (gnomAD no frequency). This variant has not been reported in the literature in individuals affected with TIMM50-related conditions. Algorithms developed to predict the effect of missense changes on protein structure and function are either unavailable or do not agree on the potential impact of this missense change (SIFT: "Not Available"; PolyPhen-2: "Benign"; Align-GVGD: "Not Available"). In summary, the available evidence is currently insufficient to determine the role of this variant in disease. Therefore, it has been classified as a Variant of Uncertain Significance.